The following is an entry in ClinVar:

ClinVar aggregate classification (germline): Uncertain significance. Review status: criteria provided, multiple submitters, no conflicts (2 of 4 stars). 4 submissions from 4 submitters: Uncertain significance (4). Last evaluated 2025-09-21.

Conditions:
Inborn genetic diseases. Identifiers: MedGen C0950123, MeSH D030342.
Charcot-Marie-Tooth disease type 4. Also called: Charcot-Marie-Tooth, Type 4; Charcot-Marie-Tooth disease, type IV. Identifiers: Orphanet 64749, MedGen C4082197, MONDO:0018995.

Allele frequency attached by ClinVar (database versions not stated): gnomAD exomes below 0.00001; gnomAD 0.00001; TOPMed 0.00002.
gnomAD v4.1: 7 of 1,613,998 alleles (0.00043%); highest among the groups gnomAD compares: Non-Finnish European, 0.00051%; no homozygotes.

Submissions (4):

Ambry Genetics
Classification: Uncertain significance for Inborn genetic diseases. Last evaluated: 2025-09-21. Review status: criteria provided, single submitter. Criteria: Ambry Variant Classification Scheme 2023. Collection method: clinical testing. Allele origin: germline.

GeneDx
Classification: Uncertain significance. Last evaluated: 2025-05-15. Review status: criteria provided, single submitter. Criteria: GeneDx Variant Classification Process June 2021. Collection method: clinical testing. Allele origin: germline. Affected: yes.
Comment: Not observed at significant frequency in large population cohorts (gnomAD); In silico analysis supports that this missense variant has a deleterious effect on protein structure/function; Has not been previously published as pathogenic or benign to our knowledge

Labcorp Genetics (formerly Invitae), Labcorp
Classification: Uncertain significance for Charcot-Marie-Tooth disease type 4. Last evaluated: 2024-09-26. Review status: criteria provided, single submitter. Criteria: Invitae Variant Classification Sherloc (09022015). Collection method: clinical testing. Allele origin: germline.
Comment: This sequence change replaces arginine, which is basic and polar, with cysteine, which is neutral and slightly polar, at codon 1775 of the SBF2 protein (p.Arg1775Cys). This variant is present in population databases (no rsID available, gnomAD 0.0009%). This variant has not been reported in the literature in individuals affected with SBF2-related conditions. ClinVar contains an entry for this variant (Variation ID: 843947). Invitae Evidence Modeling of protein sequence and biophysical properties (such as structural, functional, and spatial information, amino acid conservation, physicochemical variation, residue mobility, and thermodynamic stability) indicates that this missense variant is expected to disrupt SBF2 protein function with a positive predictive value of 80%. In summary, the available evidence is currently insufficient to determine the role of this variant in disease. Therefore, it has been classified as a Variant of Uncertain Significance.

Athena Diagnostics
Classification: Uncertain significance. Last evaluated: 2022-03-16. Review status: criteria provided, single submitter. Criteria: Athena Diagnostics Criteria. Collection method: clinical testing. Allele origin: unknown.

NM_030962.4(SBF2):c.5323C>T (p.Arg1775Cys)

Genes: SBF2 (SET binding factor 2; minus strand), SBF2-AS1 (SBF2 antisense RNA 1; plus strand), LOC105369149 (uncharacterized LOC105369149; plus strand). Cytogenetic location: 11p15.4.
Variant type: single nucleotide variant.
Coding change: c.5323C>T on transcript NM_030962.4 (MANE Select); coding-DNA position 5323, C replaced by T.
Protein change: p.Arg1775Cys; replaces arginine 1775 with cysteine.
Molecular consequence: missense variant.
Genome position (GRCh38, 1-based): chr11:9,781,635, G>A on the plus strand (C>T on the coding strand, the complement: SBF2 is on the minus strand). VCF-style: chr11-9781635-G-A. GRCh37 (hg19) VCF-style: chr11-9803182-G-A.
Other names: c.5419C>T, p.Arg1807Cys (NM_001386339.1); c.5194C>T, p.Arg1732Cys (NM_001386342.1); short protein forms R1775C, R1732C, R1807C.
Identifiers: ClinVar variation 843947 (VCV000843947.13), dbSNP rs938347502, ClinGen allele CA217603701.